The following is an entry in ClinVar:

ClinVar aggregate classification (germline): Uncertain significance (1 of 4 stars; one submission).

Conditions:
Muscular dystrophy-dystroglycanopathy type B6 (MDDGB6). Also called: MUSCULAR DYSTROPHY, CONGENITAL, LARGE-RELATED; MUSCULAR DYSTROPHY, CONGENITAL, TYPE 1D; MUSCULAR DYSTROPHY-DYSTROGLYCANOPATHY (CONGENITAL WITH IMPAIRED INTELLECTUAL DEVELOPMENT), TYPE B, 6. Identifiers: MedGen C1837229, MONDO:0012138, OMIM 608840.

gnomAD v4.1: 10 of 1,614,142 alleles (0.00062%); highest among the groups gnomAD compares: Non-Finnish European, 0.00085%; no homozygotes.

Submission:

Labcorp Genetics (formerly Invitae), Labcorp
Classification: Uncertain significance for Muscular dystrophy-dystroglycanopathy type B6. Last evaluated: 2020-08-16. Review status: criteria provided, single submitter. Criteria: Invitae Variant Classification Sherloc (09022015). Collection method: clinical testing. Allele origin: germline.
Comment: This sequence change replaces glutamic acid with lysine at codon 466 of the LARGE1 protein (p.Glu466Lys). The glutamic acid residue is moderately conserved and there is a small physicochemical difference between glutamic acid and lysine. This variant is not present in population databases (ExAC no frequency). This variant has not been reported in the literature in individuals with LARGE1-related conditions. Algorithms developed to predict the effect of missense changes on protein structure and function (SIFT, PolyPhen-2, Align-GVGD) all suggest that this variant is likely to be tolerated, but these predictions have not been confirmed by published functional studies and their clinical significance is uncertain. In summary, the available evidence is currently insufficient to determine the role of this variant in disease. Therefore, it has been classified as a Variant of Uncertain Significance.

NM_133642.5(LARGE1):c.1396G>A (p.Glu466Lys)

Gene: LARGE1 (LARGE xylosyl- and glucuronyltransferase 1; minus strand). Cytogenetic location: 22q12.3.
Variant type: single nucleotide variant.
Coding change: c.1396G>A on transcript NM_133642.5 (MANE Select); coding-DNA position 1396, G replaced by A.
Protein change: p.Glu466Lys; replaces glutamic acid 466 with lysine.
Molecular consequence: missense variant.
Genome position (GRCh38, 1-based): chr22:33,316,140, C>T on the plus strand (G>A on the coding strand, the complement: LARGE1 is on the minus strand). VCF-style: chr22-33316140-C-T. GRCh37 (hg19) VCF-style: chr22-33712126-C-T.
Other names: c.1396G>A, p.Glu466Lys (NM_001362949.2, NM_001362951.2, NM_001362953.2 and 6 more transcripts); c.1240G>A, p.Glu414Lys (NM_001378629.1); c.793G>A, p.Glu265Lys (NM_001378630.1); c.637G>A, p.Glu213Lys (NM_001378631.1); short protein forms E213K, E466K, E265K, E414K.
Identifiers: ClinVar variation 1038636 (VCV001038636.7), dbSNP rs774223611, ClinGen allele CA411540904.
Genomic context (GRCh38, chr22:33,316,140, plus strand): 5'-CATACCTGTCCATGGACAGCTGAGCGACCAGGGTGACGTCCGTGCTGTCTGCTGCAGGCT[C>T]ATACTCGTAGTGCAGGAAGTACAGGTGGGTGCGGTGGACAGTGAAGCGCTCTCGCCGGAA-3'
Protein context (NP_598397.1, residues 456-476): THLYFLHYEY[Glu466Lys]PAADSTDVTL